The following is an entry in ClinVar:

NM_000260.4(MYO7A):c.2367+269A>G

Gene: MYO7A (myosin VIIA; plus strand). Cytogenetic location: 11q13.5.
Variant type: single nucleotide variant.
Coding change: c.2367+269A>G on transcript NM_000260.4 (MANE Select); 269 bases into the intron after coding-DNA position 2367, A replaced by G.
Molecular consequence: intron variant.
Genome position (GRCh38, 1-based): chr11:77,179,398, A>G. VCF-style: chr11-77179398-A-G. GRCh37 (hg19) VCF-style: chr11-76890444-A-G.
Other names: c.2334+269A>G (NM_001369365.1); c.2367+269A>G (NM_001127180.2).
Identifiers: ClinVar variation 680663 (VCV000680663.1), dbSNP rs10899356, ClinGen allele CA15708943.

ClinVar aggregate classification (germline): Benign (1 of 4 stars; one submission).

Allele frequency attached by ClinVar (database versions not stated): 1000 Genomes Project 0.55990; 1000 Genomes Project 30x 0.56699; gnomAD 0.59998 and 0.61076; TOPMed 0.60744.
gnomAD v4.1: 91,119 of 152,104 alleles (60%); highest among the groups gnomAD compares: African/African-American, 71%; 27,877 homozygotes.

Submission:

GeneDx
Classification: Benign. Last evaluated: 2018-06-14. Review status: criteria provided, single submitter. Criteria: GeneDx Variant Classification (06012015). Collection method: clinical testing. Allele origin: germline. Affected: yes.
Comment: This variant is considered likely benign or benign based on one or more of the following criteria: it is a conservative change, it occurs at a poorly conserved position in the protein, it is predicted to be benign by multiple in silico algorithms, and/or has population frequency not consistent with disease.